The following is an entry in ClinVar:

NM_025114.4(CEP290):c.192A>C (p.Gln64His)

Gene: CEP290 (centrosomal protein 290; minus strand). Cytogenetic location: 12q21.32.
Variant type: single nucleotide variant.
Coding change: c.192A>C on transcript NM_025114.4 (MANE Select); coding-DNA position 192, A replaced by C.
Protein change: p.Gln64His; replaces glutamine 64 with histidine.
Molecular consequence: missense variant.
Genome position (GRCh38, 1-based): chr12:88,139,553, T>G on the plus strand (A>C on the coding strand, the complement: CEP290 is on the minus strand). VCF-style: chr12-88139553-T-G. GRCh37 (hg19) VCF-style: chr12-88533330-T-G.
Other names: short protein forms Q64H.
Identifiers: ClinVar variation 1698273 (VCV001698273.3), dbSNP rs965922201, ClinGen allele CA241167352.

ClinVar aggregate classification (germline): Uncertain significance. Review status: criteria provided, multiple submitters, no conflicts (2 of 4 stars). 2 submissions from 2 submitters: Uncertain significance (2). Last evaluated 2024-02-22.

Conditions:
Meckel syndrome, type 4 (MKS4). Also called: MECKEL-GRUBER SYNDROME, TYPE 4. Identifiers: Orphanet 564, MedGen C1970161, MONDO:0012626, OMIM 611134.
Senior-Loken syndrome 6 (SLSN6). Identifiers: Orphanet 3156, MedGen C1857779, MONDO:0012433, OMIM 610189.
Joubert syndrome 5 (JBTS5). Identifiers: Orphanet 2318, MedGen C1857780, MONDO:0012432, OMIM 610188.
Bardet-Biedl syndrome 14 (BBS14). Identifiers: Orphanet 110, MedGen C2673874, MONDO:0014442, OMIM 615991.
Leber congenital amaurosis 10 (LCA10). Identifiers: Orphanet 65, MedGen C1857821, MONDO:0012723, OMIM 611755.

Allele frequency attached by ClinVar (database versions not stated): gnomAD 0.00001 and 0.00002; TOPMed 0.00001.
gnomAD v4.1: 7 of 1,583,694 alleles (0.00044%); highest among the groups gnomAD compares: Non-Finnish European, 0.0006%; no homozygotes.

Submissions (2):

Fulgent Genetics
Classification: Uncertain significance for Joubert syndrome 5; Senior-Loken syndrome 6; Meckel syndrome, type 4; Leber congenital amaurosis 10; Bardet-Biedl syndrome 14. Last evaluated: 2024-02-22. Review status: criteria provided, single submitter. Criteria: ACMG Guidelines, 2015. Collection method: clinical testing. Allele origin: germline.

GeneDx
Classification: Uncertain significance. Last evaluated: 2022-01-20. Review status: criteria provided, single submitter. Criteria: GeneDx Variant Classification Process June 2021. Collection method: clinical testing. Allele origin: germline. Affected: yes.
Comment: Not observed at significant frequency in large population cohorts (gnomAD); In silico analysis supports that this missense variant does not alter protein structure/function; Has not been previously published as pathogenic or benign to our knowledge